The following is an entry in ClinVar:

NM_000179.3(MSH6):c.873C>G (p.Asn291Lys)

Gene: MSH6 (mutS homolog 6; plus strand). Cytogenetic location: 2p16.3.
Variant type: single nucleotide variant.
Coding change: c.873C>G on transcript NM_000179.3 (MANE Select); coding-DNA position 873, C replaced by G.
Protein change: p.Asn291Lys; replaces asparagine 291 with lysine.
Molecular consequence: missense variant. On other transcripts: 5 prime UTR variant (2).
Genome position (GRCh38, 1-based): chr2:47,798,856, C>G. VCF-style: chr2-47798856-C-G. GRCh37 (hg19) VCF-style: chr2-48025995-C-G.
Other names: c.483C>G, p.Asn161Lys (NM_001281492.2); c.-34C>G (NM_001281493.2, NM_001281494.2); short protein forms N161K, N291K.
Identifiers: ClinVar variation 921148 (VCV000921148.9), dbSNP rs876660529, ClinGen allele CA346740643.

ClinVar aggregate classification (germline): Uncertain significance. Review status: criteria provided, multiple submitters, no conflicts (2 of 4 stars). 3 submissions from 3 submitters: Uncertain significance (3). Last evaluated 2023-12-16.

Conditions:
Hereditary nonpolyposis colorectal neoplasms. Identifiers: MedGen C0009405, MeSH D003123.
Hereditary cancer-predisposing syndrome. Also called: Neoplastic Syndromes, Hereditary; Tumor predisposition; Hereditary Cancer Syndrome; Hereditary neoplastic syndrome. Identifiers: Orphanet 140162, MedGen C0027672, MeSH D009386, MONDO:0015356.

Allele frequency attached by ClinVar (database versions not stated): gnomAD 0.00001.
gnomAD v4.1: 4 of 1,614,028 alleles (0.00025%); highest among the groups gnomAD compares: African/African-American, 0.0013%; no homozygotes.

Submissions (3):

Labcorp Genetics (formerly Invitae), Labcorp
Classification: Uncertain significance for Hereditary nonpolyposis colorectal neoplasms. Last evaluated: 2023-12-16. Review status: criteria provided, single submitter. Criteria: Invitae Variant Classification Sherloc (09022015). Collection method: clinical testing. Allele origin: germline.
Comment: This sequence change replaces asparagine, which is neutral and polar, with lysine, which is basic and polar, at codon 291 of the MSH6 protein (p.Asn291Lys). This variant is not present in population databases (gnomAD no frequency). This variant has not been reported in the literature in individuals affected with MSH6-related conditions. ClinVar contains an entry for this variant (Variation ID: 921148). Advanced modeling of protein sequence and biophysical properties (such as structural, functional, and spatial information, amino acid conservation, physicochemical variation, residue mobility, and thermodynamic stability) performed at Invitae indicates that this missense variant is not expected to disrupt MSH6 protein function with a negative predictive value of 95%. In summary, the available evidence is currently insufficient to determine the role of this variant in disease. Therefore, it has been classified as a Variant of Uncertain Significance.

Color Diagnostics, LLC DBA Color Health
Classification: Uncertain significance for Hereditary cancer-predisposing syndrome. Last evaluated: 2023-12-04. Review status: criteria provided, single submitter. Criteria: ACMG Guidelines, 2015. Collection method: clinical testing. Allele origin: germline.
Comment: This missense variant replaces asparagine with lysine at codon 291 of the MSH6 protein. Computational prediction suggests that this variant may not impact protein structure and function (internally defined REVEL score threshold <= 0.5, PMID: 27666373). To our knowledge, functional studies have not been reported for this variant. This variant has not been reported in individuals affected with MSH6-related disorders in the literature. This variant has not been identified in the general population by the Genome Aggregation Database (gnomAD). The available evidence is insufficient to determine the role of this variant in disease conclusively. Therefore, this variant is classified as a Variant of Uncertain Significance.

Ambry Genetics
Classification: Uncertain significance for Hereditary cancer-predisposing syndrome. Last evaluated: 2020-09-23. Review status: criteria provided, single submitter. Criteria: Ambry Variant Classification Scheme 2023. Collection method: clinical testing. Allele origin: germline.
Comment: The p.N291K variant (also known as c.873C>G), located in coding exon 4 of the MSH6 gene, results from a C to G substitution at nucleotide position 873. The asparagine at codon 291 is replaced by lysine, an amino acid with similar properties. This amino acid position is poorly conserved in available vertebrate species. In addition, this alteration is predicted to be tolerated by in silico analysis. Since supporting evidence is limited at this time, the clinical significance of this alteration remains unclear.